The following is an entry in ClinVar:

NM_001376571.1(MADD):c.922G>T (p.Ala308Ser)

Gene: MADD (MAP kinase activating death domain; plus strand). Cytogenetic location: 11p11.2.
Variant type: single nucleotide variant.
Coding change: c.922G>T on transcript NM_001376571.1 (MANE Select); coding-DNA position 922, G replaced by T.
Protein change: p.Ala308Ser; replaces alanine 308 with serine.
Molecular consequence: missense variant. On other transcripts: non-coding transcript variant (8).
Genome position (GRCh38, 1-based): chr11:47,276,161, G>T. VCF-style: chr11-47276161-G-T. GRCh37 (hg19) VCF-style: chr11-47297712-G-T.
Other names: c.922G>T, p.Ala308Ser (NM_001135943.2, NM_001135944.2, NM_001376572.1 and 80 more transcripts); c.718G>T, p.Ala240Ser (NM_001376620.1, NM_001376626.1, NM_001376627.1 and 9 more transcripts); c.256G>T, p.Ala86Ser (NM_001376663.1); short protein forms A240S, A308S, A86S.
Identifiers: ClinVar variation 3365440 (VCV003365440.1).
Genomic context (GRCh38, chr11:47,276,161, plus strand): 5'-TCTCGATTCACCCTAGTGGATTTCCCACTGCACCTTCCCTTGGAACTTCTAGGTGTGGAC[G>T]CCTGTCTCCAGGTGCTAACCTGCATTCTGTTAGAGCACAAGGTGAGAGGCAAGCTTCCTA-3'
Protein context (NP_001363500.1, residues 298-318): HLPLELLGVD[Ala308Ser]CLQVLTCILL

ClinVar aggregate classification (germline): Uncertain significance (1 of 4 stars; one submission).

gnomAD v4.1: 2 of 1,613,860 alleles (0.00012%); highest among the groups gnomAD compares: Non-Finnish European, 0.00017%; no homozygotes.

Submission:

GeneDx
Classification: Uncertain significance. Last evaluated: 2023-12-18. Review status: criteria provided, single submitter. Criteria: GeneDx Variant Classification Process June 2021. Collection method: clinical testing. Allele origin: germline. Affected: yes.
Comment: Not observed at significant frequency in large population cohorts (gnomAD); In silico analysis supports that this missense variant does not alter protein structure/function; Has not been previously published as pathogenic or benign to our knowledge